The following is an entry in ClinVar:

ClinVar aggregate classification (germline): Conflicting classifications of pathogenicity. Review status: criteria provided, conflicting classifications (1 of 4 stars). 6 submissions from 6 submitters: Uncertain significance (4); Likely benign (2). Last evaluated 2026-01-19.

Conditions:
Cardiovascular phenotype. Identifiers: MedGen CN230736.
Arrhythmogenic right ventricular dysplasia 10. Also called: Arrhythmogenic right ventricular dysplasia/cardiomyopathy, type 10; Arrhythmogenic Right Ventricular Dysplasia/Cardiomyopathy10; ARRHYTHMOGENIC RIGHT VENTRICULAR DYSPLASIA, FAMILIAL, 10. Identifiers: MedGen C1857777, MONDO:0012434, OMIM 610193.
Dilated cardiomyopathy 1BB (CMD1BB). Also called: CARDIOMYOPATHY, DILATED, 1BB, SUSCEPTIBILITY TO. Identifiers: Orphanet 154, MedGen C2752072, MONDO:0013030, OMIM 612877.
Cardiomyopathy (CMYO). Also called: Cardiomyopathies. Identifiers: Orphanet 167848, MedGen C0878544, MONDO:0004994, HP:0001638. Inheritance: Various modes of inheritance.
Arrhythmogenic right ventricular cardiomyopathy (ARVD). Also called: Arrhythmogenic cardiomyopathy; Arrhythmogenic Right Ventricular Cardiomyopathy (ARVC); Cardiomyopathy, ARVC; Arrhythmogenic right ventricular dysplasia. Identifiers: Orphanet 247, MedGen C0349788, MeSH D019571, MONDO:0016587. Disease mechanism: loss of function. Inheritance: Various modes of inheritance.

Allele frequency attached by ClinVar (database versions not stated): ESP Exome Variant Server 0.00008; ExAC 0.00004; gnomAD exomes 0.00005; TOPMed 0.00005.
gnomAD v4.1: 75 of 1,613,980 alleles (0.0046%); highest among the groups gnomAD compares: South Asian, 0.013%; no homozygotes.

Submissions (6):

Labcorp Genetics (formerly Invitae), Labcorp
Classification: Uncertain significance for Arrhythmogenic right ventricular dysplasia 10. Last evaluated: 2026-01-19. Review status: criteria provided, single submitter. Criteria: Invitae Variant Classification Sherloc (09022015). Collection method: clinical testing. Allele origin: germline.
Comment: This sequence change replaces arginine, which is basic and polar, with histidine, which is basic and polar, at codon 824 of the DSG2 protein (p.Arg824His). This variant is present in population databases (rs376858770, gnomAD 0.03%). This variant has not been reported in the literature in individuals affected with DSG2-related conditions. ClinVar contains an entry for this variant (Variation ID: 496663). Invitae Evidence Modeling of protein sequence and biophysical properties (such as structural, functional, and spatial information, amino acid conservation, physicochemical variation, residue mobility, and thermodynamic stability) indicates that this missense variant is not expected to disrupt DSG2 protein function with a negative predictive value of 95%. In summary, the available evidence is currently insufficient to determine the role of this variant in disease. Therefore, it has been classified as a Variant of Uncertain Significance.

Color Diagnostics, LLC DBA Color Health
Classification: Likely benign for Cardiomyopathy. Last evaluated: 2024-07-26. Review status: criteria provided, single submitter. Criteria: ACMG Guidelines, 2015. Collection method: clinical testing. Allele origin: germline.

All of Us Research Program, National Institutes of Health
Classification: Uncertain significance for Arrhythmogenic right ventricular cardiomyopathy. Last evaluated: 2023-12-07. Review status: criteria provided, single submitter. Criteria: ACMG Guidelines, 2015. Collection method: clinical testing. Allele origin: germline. Inheritance: Autosomal dominant inheritance. Observed: 12 variant alleles, 12 heterozygotes.
Comment: This missense variant replaces arginine with histidine at codon 824 of the DSG2 protein. Computational prediction suggests that this variant may not impact protein structure and function (internally defined REVEL score threshold <= 0.5, PMID: 27666373). To our knowledge, functional studies have not been reported for this variant. This variant has not been reported in individuals affected with cardiovascular disorders in the literature. This variant has been identified in 14/280730 chromosomes in the general population by the Genome Aggregation Database (gnomAD). The available evidence is insufficient to determine the role of this variant in disease conclusively. Therefore, this variant is classified as a Variant of Uncertain Significance.

This study involves interpretation of variants in research participants for the purpose of population health screening. Participant phenotype was not available at the time of variant classification. Additional details can be found in publication PMID: 35346344, PMCID: PMC8962531

Ambry Genetics
Classification: Likely benign for Cardiovascular phenotype. Last evaluated: 2022-12-12. Review status: criteria provided, single submitter. Criteria: Ambry Variant Classification Scheme 2023. Collection method: clinical testing. Allele origin: germline.

Fulgent Genetics
Classification: Uncertain significance for Arrhythmogenic right ventricular dysplasia 10; Dilated cardiomyopathy 1BB. Last evaluated: 2021-10-26. Review status: criteria provided, single submitter. Criteria: ACMG Guidelines, 2015. Collection method: clinical testing. Allele origin: unknown.

CSER _CC_NCGL, University of Washington
Classification: Uncertain significance for Arrhythmogenic right ventricular dysplasia. Last evaluated: 2016-10-01. Review status: criteria provided, single submitter. Criteria: Amendola et al. (Genome Res. 2015). Collection method: research. Allele origin: germline. Affected: no. Study: CSER - NEXT Medicine variant annotation.
Comment: This interpretation considers GERP score and allele frequency data, in addition to published reports of the variant in the literature, available at the time of review.

NM_001943.5(DSG2):c.2471G>A (p.Arg824His)

Genes: DSG2 (desmoglein 2; plus strand), DSG2-AS1 (DSG2 antisense RNA 1; minus strand). Cytogenetic location: 18q12.1.
Variant type: single nucleotide variant.
Coding change: c.2471G>A on transcript NM_001943.5 (MANE Select); coding-DNA position 2471, G replaced by A.
Protein change: p.Arg824His; replaces arginine 824 with histidine.
Molecular consequence: missense variant. On other transcripts: non-coding transcript variant (1).
Genome position (GRCh38, 1-based): chr18:31,545,857, G>A. VCF-style: chr18-31545857-G-A. GRCh37 (hg19) VCF-style: chr18-29125820-G-A.
Other names: c.2471G>A (LRG_397t1); short protein forms R824H.
Identifiers: ClinVar variation 496663 (VCV000496663.15), dbSNP rs376858770, ClinGen allele CA046148.